The following is an entry in ClinVar:

NM_024649.5(BBS1):c.388_389insTA (p.Pro130fs)

Gene: BBS1 (Bardet-Biedl syndrome 1; plus strand). Cytogenetic location: 11q13.2.
Variant type: Insertion.
Coding change: c.388_389insTA on transcript NM_024649.5 (MANE Select); coding-DNA positions 388 to 389, TA inserted.
Protein change: p.Pro130fs; shifts the reading frame from proline 130.
Molecular consequence: frameshift variant.
Genome position: GRCh38 VCF-style: chr11-66514634-C-CTA. GRCh37 (hg19) VCF-style: chr11-66282105-C-CTA.
Other names: short protein forms P130fs.
Identifiers: ClinVar variation 5014728 (VCV005014728.1).

ClinVar aggregate classification (germline): Pathogenic (1 of 4 stars; one submission).

Conditions:
Bardet-Biedl syndrome 1 (BBS1). Identifiers: MedGen C2936862, MONDO:0008854, OMIM 209900. Disease mechanism: loss of function.

Submission:

Myriad Genetics, Inc.
Classification: Pathogenic for Bardet-Biedl syndrome 1. Last evaluated: 2025-07-14. Review status: criteria provided, single submitter. Criteria: Myriad Autosomal Dominant, Autosomal Recessive and X-Linked Classification Criteria (2023). Collection method: clinical testing. Allele origin: unknown.
Comment: NM_024649.4(BBS1):c.388_389insTA(P130Lfs*22) is expected to be pathogenic in the context of Bardet-Biedl syndrome, BBS1-related. This variant is predicted to lead to an abnormal or absent protein product due to the creation of a premature termination codon in BBS1, a gene where loss-of-function variants are known to be pathogenic. Please note: this variant was assessed in the context of healthy population screening.